The following is an entry in ClinVar:

NM_022089.4(ATP13A2):c.13A>G (p.Ser5Gly)

Gene: ATP13A2 (ATPase cation transporting 13A2; minus strand). Cytogenetic location: 1p36.13.
Variant type: single nucleotide variant.
Coding change: c.13A>G on transcript NM_022089.4 (MANE Select); coding-DNA position 13, A replaced by G.
Protein change: p.Ser5Gly; replaces serine 5 with glycine.
Molecular consequence: missense variant.
Genome position (GRCh38, 1-based): chr1:17,005,776, T>C on the plus strand (A>G on the coding strand, the complement: ATP13A2 is on the minus strand). VCF-style: chr1-17005776-T-C. GRCh37 (hg19) VCF-style: chr1-17332271-T-C.
Other names: c.13A>G (NM_022089.2); c.13A>G, p.Ser5Gly (NM_001141973.3, NM_001141974.3); short protein forms S5G.
Identifiers: ClinVar variation 1517525 (VCV001517525.9), dbSNP rs2101131465, ClinGen allele CA338265856.
Genomic context (GRCh38, chr1:17,005,776, plus strand): 5'-TTGATGTCCCTATCGTCAGGGTCCCATAACCGGTGGGCGTGCTGCCCACGAGAGGGCTGC[T>C]GTCTGTGGACAGAAAAGAGAAAGGTCATTTGGGGAGGCACCTTCTCCTCTTGCTTCCTTA-3'
Protein context (NP_071372.1, residues 1-15): MSAD[Ser5Gly]SPLVGSTPTG

ClinVar aggregate classification (germline): Uncertain significance. Review status: criteria provided, multiple submitters, no conflicts (2 of 4 stars). 2 submissions from 2 submitters: Uncertain significance (2). Last evaluated 2025-11-20.

Conditions:
Inborn genetic diseases. Identifiers: MedGen C0950123, MeSH D030342.
Kufor-Rakeb syndrome (KRS). Also called: PARKINSON DISEASE 9, AUTOSOMAL RECESSIVE, JUVENILE-ONSET. Identifiers: Orphanet 306674, Orphanet 314632, MedGen C1847640, MONDO:0011706, OMIM 606693.
Autosomal recessive spastic paraplegia type 78. Identifiers: Orphanet 513436, MedGen C5567893, MONDO:0014975, OMIM 617225.

Submissions (2):

Ambry Genetics
Classification: Uncertain significance for Inborn genetic diseases. Last evaluated: 2025-11-20. Review status: criteria provided, single submitter. Criteria: Ambry Variant Classification Scheme 2023. Collection method: clinical testing. Allele origin: germline.

Labcorp Genetics (formerly Invitae), Labcorp
Classification: Uncertain significance for Kufor-Rakeb syndrome; Autosomal recessive spastic paraplegia type 78. Last evaluated: 2021-06-01. Review status: criteria provided, single submitter. Criteria: Invitae Variant Classification Sherloc (09022015). Collection method: clinical testing. Allele origin: germline.
Comment: This sequence change replaces serine with glycine at codon 5 of the ATP13A2 protein (p.Ser5Gly). The serine residue is weakly conserved and there is a small physicochemical difference between serine and glycine. This variant is not present in population databases (ExAC no frequency). This variant has not been reported in the literature in individuals with ATP13A2-related conditions. Algorithms developed to predict the effect of missense changes on protein structure and function (SIFT, PolyPhen-2, Align-GVGD) all suggest that this variant is likely to be tolerated, but these predictions have not been confirmed by published functional studies and their clinical significance is uncertain. In summary, the available evidence is currently insufficient to determine the role of this variant in disease. Therefore, it has been classified as a Variant of Uncertain Significance.